The following is an entry in ClinVar:

ClinVar aggregate classification (germline): Uncertain significance. Review status: criteria provided, multiple submitters, no conflicts (2 of 4 stars). 2 submissions from 2 submitters: Uncertain significance (2). Last evaluated 2025-11-11.

Conditions:
Cardiovascular phenotype. Identifiers: MedGen CN230736.

Allele frequency attached by ClinVar (database versions not stated): ExAC 0.00001; gnomAD exomes 0.00002 and 0.00003.
gnomAD v4.1: 11 of 1,613,190 alleles (0.00068%); highest among the groups gnomAD compares: Admixed American, 0.018%; no homozygotes.

Submissions (2):

Ambry Genetics
Classification: Uncertain significance for Cardiovascular phenotype. Last evaluated: 2025-11-11. Review status: criteria provided, single submitter. Criteria: Ambry Variant Classification Scheme 2023. Collection method: clinical testing. Allele origin: germline.

GeneDx
Classification: Uncertain significance. Last evaluated: 2020-10-22. Review status: criteria provided, single submitter. Criteria: GeneDx Variant Classification Process June 2021. Collection method: clinical testing. Allele origin: germline. Affected: yes.
Comment: Has not been previously published as pathogenic or benign to our knowledge; In silico analysis supports that this missense variant has a deleterious effect on protein structure/function

NM_001365276.2(TNXB):c.1807G>A (p.Gly603Ser)

Gene: TNXB (tenascin XB; minus strand). Cytogenetic location: 6p21.33.
Variant type: single nucleotide variant.
Coding change: c.1807G>A on transcript NM_001365276.2 (MANE Select); coding-DNA position 1807, G replaced by A.
Protein change: p.Gly603Ser; replaces glycine 603 with serine.
Molecular consequence: missense variant.
Genome position (GRCh38, 1-based): chr6:32,096,046, C>T on the plus strand (G>A on the coding strand, the complement: TNXB is on the minus strand). VCF-style: chr6-32096046-C-T. GRCh37 (hg19) VCF-style: chr6-32063823-C-T.
Other names: c.1807G>A, p.Gly603Ser (NM_019105.8); short protein forms G603S.
Identifiers: ClinVar variation 1313579 (VCV001313579.4), dbSNP rs754481329, ClinGen allele CA3735618.